The following is an entry in ClinVar:

ClinVar aggregate classification (germline): Likely benign. Review status: criteria provided, multiple submitters, no conflicts (2 of 4 stars). 2 submissions from 2 submitters: Likely benign (2). Last evaluated 2023-12-17.

Conditions:
RYR1-related disorder. Also called: RYR1-related condition; RYR1-related disorders. Identifiers: MedGen CN239331.

gnomAD v4.1: 7 of 1,573,100 alleles (0.00044%); highest among the groups gnomAD compares: Middle Eastern, 0.017%; no homozygotes.

Submissions (2):

Labcorp Genetics (formerly Invitae), Labcorp
Classification: Likely benign for RYR1-related disorder. Last evaluated: 2023-12-17. Review status: criteria provided, single submitter. Criteria: Invitae Variant Classification Sherloc (09022015). Collection method: clinical testing. Allele origin: germline.

CeGaT Center for Human Genetics Tuebingen
Classification: Likely benign. Last evaluated: 2023-04-01. Review status: criteria provided, single submitter. Criteria: CeGaT Center For Human Genetics Tuebingen Variant Classification Criteria Version 2. Collection method: clinical testing. Allele origin: germline. Affected: yes. Observed: 1 variant allele.
Comment: RYR1: BP4, BP7

NM_000540.3(RYR1):c.9651C>T (p.Ser3217=)

Gene: RYR1 (ryanodine receptor 1; plus strand). Cytogenetic location: 19q13.2.
Variant type: single nucleotide variant.
Coding change: c.9651C>T on transcript NM_000540.3 (MANE Select); coding-DNA position 9651, C replaced by T.
Protein change: p.Ser3217=; no amino-acid change (serine 3217 retained).
Molecular consequence: synonymous variant.
Genome position (GRCh38, 1-based): chr19:38,516,183, C>T. VCF-style: chr19-38516183-C-T. GRCh37 (hg19) VCF-style: chr19-39006823-C-T.
Other names: c.9651C>T, p.Ser3217= (NM_001042723.2).
Identifiers: ClinVar variation 1590861 (VCV001590861.31), dbSNP rs370457617, ClinGen allele CA507246987.
Genomic context (GRCh38, chr19:38,516,183, plus strand): 5'-GGCAGCAGCCATGCCGGTGGCGTTCCTGGAGCCGCAGCTGAACGAGTACAACGCCTGCTC[C>T]GTGTACACCACCAAGTCTCCGCGGGAGCGGGCCAGTAAGCTGTGTGGGGCGGGAGCAGTG-3'
Protein context (NP_000531.2, residues 3207-3227): EPQLNEYNAC[Ser3217=]VYTTKSPRER